The following is an entry in ClinVar:

ClinVar aggregate classification (germline): Uncertain significance (1 of 4 stars; one submission).

Conditions:
Cardiovascular phenotype. Identifiers: MedGen CN230736.

Allele frequency attached by ClinVar (database versions not stated): gnomAD 0.00001.
gnomAD v4.1: 1 of 1,614,096 alleles (0.000062%); highest among the groups gnomAD compares: African/African-American, 0.0013%; no homozygotes.

Submission:

Ambry Genetics
Classification: Uncertain significance for Cardiovascular phenotype. Last evaluated: 2019-09-27. Review status: criteria provided, single submitter. Criteria: Ambry Variant Classification Scheme 2023. Collection method: clinical testing. Allele origin: germline.
Comment: The p.D30Y variant (also known as c.88G>T), located in coding exon 2 of the ANKRD1 gene, results from a G to T substitution at nucleotide position 88. The aspartic acid at codon 30 is replaced by tyrosine, an amino acid with highly dissimilar properties. This amino acid position is not well conserved in available vertebrate species. In addition, this alteration is predicted to be tolerated by in silico analysis. Since supporting evidence is limited at this time, the clinical significance of this alteration remains unclear.

NM_014391.3(ANKRD1):c.88G>T (p.Asp30Tyr)

Gene: ANKRD1 (ankyrin repeat domain 1; minus strand). Cytogenetic location: 10q23.31.
Variant type: single nucleotide variant.
Coding change: c.88G>T on transcript NM_014391.3 (MANE Select); coding-DNA position 88, G replaced by T.
Protein change: p.Asp30Tyr; replaces aspartic acid 30 with tyrosine.
Molecular consequence: missense variant.
Genome position (GRCh38, 1-based): chr10:90,920,288, C>A on the plus strand (G>T on the coding strand, the complement: ANKRD1 is on the minus strand). VCF-style: chr10-90920288-C-A. GRCh37 (hg19) VCF-style: chr10-92680045-C-A.
Other names: short protein forms D30Y.
Identifiers: ClinVar variation 1765052 (VCV001765052.2), dbSNP rs1589510859, ClinGen allele CA377553981.